The following is an entry in ClinVar:

ClinVar aggregate classification (germline): Likely pathogenic (1 of 4 stars; one submission).

Conditions:
Duchenne muscular dystrophy (DMD). Also called: Duchenne Muscular Dystrophy (DMD); MUSCULAR DYSTROPHY, PSEUDOHYPERTROPHIC PROGRESSIVE, DUCHENNE TYPE. Identifiers: Orphanet 98896, MedGen C0013264, MONDO:0010679, OMIM 310200.

Submission:

Neuberg Centre For Genomic Medicine, NCGM
Classification: Likely pathogenic for Duchenne muscular dystrophy. Last evaluated: 2023-06-22. Review status: criteria provided, single submitter. Criteria: ACMG Guidelines, 2015. Collection method: clinical testing. Allele origin: germline. Inheritance: X-linked recessive inheritance. Affected: yes.
Comment: The inframe deletion variant c.7569_7571del(p.Arg2523_Arg2524delinsSer) in DMD gene has not been reported previously as a pathogenic variant nor as a benign variant, to our knowledge. The observed variant is absent in gnomAD exomes database. This variant has not been submitted to the ClinVar database. This p.Arg2523_Arg2524delinsSer causes deletion of amino acid Arginine at position 2523 to Arginine at position 2524. For these reasons, this variant has been classified as Uncertain Significance (VUS).

NM_004006.3(DMD):c.7569_7571delinsTT (p.Arg2523fs)

Gene: DMD (dystrophin; minus strand). Cytogenetic location: Xp21.1.
Variant type: Indel.
Coding change: c.7569_7571delinsTT on transcript NM_004006.3 (MANE Select); coding-DNA positions 7569 to 7571, GCG replaced by TT.
Protein change: p.Arg2523fs; shifts the reading frame from arginine 2523.
Molecular consequence: frameshift variant.
Genome position (GRCh38, 1-based): chrX:31,729,720-31,729,722, CGC replaced by AA on the plus strand (GCG replaced by TT on the coding strand, the reverse complement: DMD is on the minus strand). VCF-style: chrX-31729720-CGC-AA. GRCh37 (hg19) VCF-style: chrX-31747837-CGC-AA.
Other names: c.7545_7547delinsTT, p.Arg2515fs (NM_000109.4); c.7557_7559delinsTT, p.Arg2519fs (NM_004009.3); c.7200_7202delinsTT, p.Arg2400fs (NM_004010.3); c.3546_3548delinsTT, p.Arg1182fs (NM_004011.4); c.3537_3539delinsTT, p.Arg1179fs (NM_004012.4); c.189_191delinsTT, p.Arg63fs (NM_004013.3, NM_004020.4, NM_004021.3 and 2 more transcripts); c.7569_7571delGCGinsTT (NM_004006.3); short protein forms R1179fs, R1182fs, R2400fs, R2515fs, R2519fs, R2523fs, R63fs.
Identifiers: ClinVar variation 3377701 (VCV003377701.1).
Genomic context (GRCh38, chrX:31,729,720, plus strand): 5'-TGATTGCTGGTCTTGTTTTTCAAATTTTGGGCAGCGGTAATGAGTTCTTCCAACTGGGGA[CGC>AA]CTCTGTTCCAAATCCTGCATTGTTGCCTGTAAGAACAAATATCCCTTAGTATCAGGGTTC-3'